The following is an entry in ClinVar:

NM_002335.4(LRP5):c.1474C>T (p.Gln492Ter)

Gene: LRP5 (LDL receptor related protein 5; plus strand). Cytogenetic location: 11q13.2.
Variant type: single nucleotide variant.
Coding change: c.1474C>T on transcript NM_002335.4 (MANE Select); coding-DNA position 1474, C replaced by T.
Protein change: p.Gln492Ter; replaces glutamine 492 with a stop codon.
Molecular consequence: nonsense. On other transcripts: intron variant (1).
Genome position (GRCh38, 1-based): chr11:68,389,942, C>T. VCF-style: chr11-68389942-C-T. GRCh37 (hg19) VCF-style: chr11-68157410-C-T.
Other names: c.-354+3230C>T (NM_001291902.2); short protein forms Q492*.
Identifiers: ClinVar variation 2031693 (VCV002031693.4), dbSNP rs2496622051, ClinGen allele CA381613047.

ClinVar aggregate classification (germline): Pathogenic (1 of 4 stars; one submission).

Submission:

Labcorp Genetics (formerly Invitae), Labcorp
Classification: Pathogenic. Last evaluated: 2022-08-31. Review status: criteria provided, single submitter. Criteria: Invitae Variant Classification Sherloc (09022015). Collection method: clinical testing. Allele origin: germline.
Comment: This sequence change creates a premature translational stop signal (p.Gln492*) in the LRP5 gene. It is expected to result in an absent or disrupted protein product. Loss-of-function variants in LRP5 are known to be pathogenic (PMID: 11719191, 16252235, 25711638). This variant is not present in population databases (gnomAD no frequency). This variant has not been reported in the literature in individuals affected with LRP5-related conditions. Algorithms developed to predict the effect of sequence changes on RNA splicing suggest that this variant may create or strengthen a splice site. For these reasons, this variant has been classified as Pathogenic.

Literature cited by the submitters: PubMed 11719191; PubMed 16252235; PubMed 25711638.